The following is an entry in ClinVar:

ClinVar aggregate classification (germline): Conflicting classifications of pathogenicity. Review status: criteria provided, conflicting classifications (1 of 4 stars). 6 submissions from 6 submitters: Likely pathogenic (1); Uncertain significance (5). Last evaluated 2026-03-25.

Conditions:
TJP2-related disorder. Also called: TJP2-related condition.
Autosomal dominant nonsyndromic hearing loss 51. Also called: Deafness, autosomal dominant 51; CHROMOSOME 9q21.11 DUPLICATION SYNDROME. Identifiers: Orphanet 90635, MedGen C3160736, MONDO:0013305, OMIM 613558.

Allele frequency attached by ClinVar (database versions not stated): gnomAD exomes 0.00006 and 0.00012; ExAC 0.00013; 1000 Genomes Project 30x 0.00016; 1000 Genomes Project 0.00020; gnomAD 0.00028 and 0.00031; ESP Exome Variant Server 0.00031; TOPMed 0.00036.
gnomAD v4.1: 140 of 1,614,150 alleles (0.0087%); highest among the groups gnomAD compares: African/African-American, 0.079%; no homozygotes.

Submissions (6):

PreventionGenetics, part of Exact Sciences
Classification: Uncertain significance for TJP2-related condition. Last evaluated: 2026-03-25. Review status: criteria provided, single submitter. Criteria: ACMG Guidelines, 2015. Collection method: clinical testing. Allele origin: germline.
Comment: The TJP2 c.2726C>T variant is predicted to result in the amino acid substitution p.Ala909Val. To our knowledge, this variant has not been reported in the literature. This variant is reported in 0.097% of alleles in individuals of Ashkenazi Jewish descent in gnomAD. Although we suspect that this variant may be benign, at this time, the clinical significance of this variant is uncertain due to the absence of conclusive functional and genetic evidence.

Dasa
Classification: Uncertain significance. Last evaluated: 2026-01-06. Review status: criteria provided, single submitter. Criteria: DASA Assertion Criteria. Collection method: clinical testing. Allele origin: germline.
Comment: NM_004817.4(TJP2):c.2726C>T (p.Ala909Val) is a missense variant that results in the substitution of alanine with valine. This variant is rare in population databases. The currently available literature and clinical evidence are not sufficient to establish a definitive association between this variant and the reported condition. Therefore, this variant is classified as a variant of uncertain significance.

GeneDx
Classification: Uncertain significance. Last evaluated: 2025-05-20. Review status: criteria provided, single submitter. Criteria: GeneDx Variant Classification Process June 2021. Collection method: clinical testing. Allele origin: germline. Affected: yes.
Comment: In silico analysis suggests that this missense variant does not alter protein structure/function; Has not been previously published as pathogenic or benign to our knowledge

Laboratory of Prof. Karen Avraham, Tel Aviv University
Classification: Likely pathogenic for Autosomal dominant nonsyndromic hearing loss 51. Last evaluated: 2024-06-10. Review status: criteria provided, single submitter. Criteria: ACMG Guidelines, 2015. Collection method: research. Allele origin: germline. Affected: yes. Observed: 1 variant allele.
Comment: A very rare variant predicted deleterious by most prediction programs. The type of HL is characteristic for this gene

DFNA51; high-tone HL

Labcorp Genetics (formerly Invitae), Labcorp
Classification: Uncertain significance. Last evaluated: 2023-10-13. Review status: criteria provided, single submitter. Criteria: Invitae Variant Classification Sherloc (09022015). Collection method: clinical testing. Allele origin: germline.
Comment: This sequence change replaces alanine, which is neutral and non-polar, with valine, which is neutral and non-polar, at codon 909 of the TJP2 protein (p.Ala909Val). This variant is present in population databases (rs146761713, gnomAD 0.09%). This variant has not been reported in the literature in individuals affected with TJP2-related conditions. ClinVar contains an entry for this variant (Variation ID: 501435). Advanced modeling of protein sequence and biophysical properties (such as structural, functional, and spatial information, amino acid conservation, physicochemical variation, residue mobility, and thermodynamic stability) performed at Invitae indicates that this missense variant is not expected to disrupt TJP2 protein function. In summary, the available evidence is currently insufficient to determine the role of this variant in disease. Therefore, it has been classified as a Variant of Uncertain Significance.

Eurofins Ntd Llc (ga)
Classification: Uncertain significance. Last evaluated: 2018-05-29. Review status: criteria provided, single submitter. Criteria: EGL ClinVar v180209 classification definitions. Collection method: clinical testing. Allele origin: germline. Observed: 3 variant alleles, 3 heterozygotes.

NM_004817.4(TJP2):c.2726C>T (p.Ala909Val)

Gene: TJP2 (tight junction protein 2; plus strand). Cytogenetic location: 9q21.11.
Variant type: single nucleotide variant.
Coding change: c.2726C>T on transcript NM_004817.4 (MANE Select); coding-DNA position 2726, C replaced by T.
Protein change: p.Ala909Val; replaces alanine 909 with valine.
Molecular consequence: missense variant. On other transcripts: intron variant (1).
Genome position (GRCh38, 1-based): chr9:69,248,070, C>T. VCF-style: chr9-69248070-C-T. GRCh37 (hg19) VCF-style: chr9-71862986-C-T.
Other names: c.2726C>T, p.Ala909Val (LRG_1201t1, NM_001369872.1, NM_201629.3); c.2657C>T, p.Ala886Val (NM_001170414.2, NM_001369871.1); c.2738C>T, p.Ala913Val (NM_001170415.1, NM_001369874.1, NM_001369875.1); c.2819C>T, p.Ala940Val (NM_001170416.2); c.2651C>T, p.Ala884Val (NM_001369870.1); c.2667+1280C>T (NM_001369873.1); short protein forms A909V, A884V, A886V, A913V, A940V.
Identifiers: ClinVar variation 501435 (VCV000501435.18), dbSNP rs146761713, ClinGen allele CA5073760.